The following is an entry in ClinVar:

ClinVar aggregate classification (germline): Uncertain significance. Review status: criteria provided, multiple submitters, no conflicts (2 of 4 stars). 3 submissions from 3 submitters: Uncertain significance (3). Last evaluated 2025-08-10.

Conditions:
Hereditary cancer-predisposing syndrome. Also called: Hereditary Cancer Syndrome; Neoplastic Syndromes, Hereditary; Hereditary neoplastic syndrome; Tumor predisposition. Identifiers: Orphanet 140162, MedGen C0027672, MeSH D009386, MONDO:0015356.
Microcephaly, normal intelligence and immunodeficiency (NBS). Also called: Nijmegen breakage syndrome; Microcephaly with normal intelligence immunodeficiency and lymphoreticular malignancies; Nonsyndromal microcephaly autosomal recessive with normal intelligence; Seemanova syndrome 2; Immunodeficiency, microcephaly with normal intelligence; Ataxia telangiectasia variant V1. Identifiers: Orphanet 647, MedGen C0398791, MONDO:0009623, OMIM 251260.

Allele frequency attached by ClinVar (database versions not stated): TOPMed below 0.00001.

Submissions (3):

Ambry Genetics
Classification: Uncertain significance for Hereditary cancer-predisposing syndrome. Last evaluated: 2025-08-10. Review status: criteria provided, single submitter. Criteria: Ambry Variant Classification Scheme 2023. Collection method: clinical testing. Allele origin: germline.
Comment: The p.N428K variant (also known as c.1284C>G), located in coding exon 10 of the NBN gene, results from a C to G substitution at nucleotide position 1284. The asparagine at codon 428 is replaced by lysine, an amino acid with similar properties. This amino acid position is not well conserved in available vertebrate species. In addition, this alteration is predicted to be tolerated by BayesDel in silico analysis. Since supporting evidence is limited at this time, the clinical significance of this alteration remains unclear.

Labcorp Genetics (formerly Invitae), Labcorp
Classification: Uncertain significance for Microcephaly, normal intelligence and immunodeficiency. Last evaluated: 2023-10-07. Review status: criteria provided, single submitter. Criteria: Invitae Variant Classification Sherloc (09022015). Collection method: clinical testing. Allele origin: germline.
Comment: This sequence change replaces asparagine, which is neutral and polar, with lysine, which is basic and polar, at codon 428 of the NBN protein (p.Asn428Lys). This variant is not present in population databases (gnomAD no frequency). This variant has not been reported in the literature in individuals affected with NBN-related conditions. ClinVar contains an entry for this variant (Variation ID: 818792). Algorithms developed to predict the effect of missense changes on protein structure and function output the following: SIFT: "Not Available"; PolyPhen-2: "Benign"; Align-GVGD: "Not Available". The lysine amino acid residue is found in multiple mammalian species, which suggests that this missense change does not adversely affect protein function. In summary, the available evidence is currently insufficient to determine the role of this variant in disease. Therefore, it has been classified as a Variant of Uncertain Significance.

Genome-Nilou Lab
Classification: Uncertain significance for Microcephaly, normal intelligence and immunodeficiency. Last evaluated: 2021-11-07. Review status: criteria provided, single submitter. Criteria: ACMG Guidelines, 2015. Collection method: clinical testing. Allele origin: germline. Affected: no.

NM_002485.5(NBN):c.1284C>G (p.Asn428Lys)

Gene: NBN (nibrin; minus strand). Cytogenetic location: 8q21.3.
Variant type: single nucleotide variant.
Coding change: c.1284C>G on transcript NM_002485.5 (MANE Select); coding-DNA position 1284, C replaced by G.
Protein change: p.Asn428Lys; replaces asparagine 428 with lysine.
Molecular consequence: missense variant.
Genome position (GRCh38, 1-based): chr8:89,955,396, G>C on the plus strand (C>G on the coding strand, the complement: NBN is on the minus strand). VCF-style: chr8-89955396-G-C. GRCh37 (hg19) VCF-style: chr8-90967624-G-C.
Other names: c.1038C>G, p.Asn346Lys (NM_001024688.3); short protein forms N346K, N428K.
Identifiers: ClinVar variation 818792 (VCV000818792.17), dbSNP rs1586058745, ClinGen allele CA371656197.
Genomic context (GRCh38, chr8:89,955,396, plus strand): 5'-CTGAGAAGCCCTATCTTTACTTTTATTTATACTTGGCAATTTAGTTGGTGAAAGCTGATA[G>C]TTTGGGATTCTCATCTTAGCCAAAGTATTTGATACCATACTATTATTATTAGAGCTTGTT-3'
Protein context (NP_002476.2, residues 418-438): SNTLAKMRIP[Asn428Lys]YQLSPTKLPS